The following is an entry in ClinVar:

ClinVar aggregate classification (germline): Uncertain significance. Review status: criteria provided, multiple submitters, no conflicts (2 of 4 stars). 2 submissions from 2 submitters: Uncertain significance (2). Last evaluated 2025-10-29.

Conditions:
Hereditary cancer-predisposing syndrome. Also called: Neoplastic Syndromes, Hereditary; Hereditary Cancer Syndrome; Tumor predisposition; Hereditary neoplastic syndrome. Identifiers: Orphanet 140162, MedGen C0027672, MeSH D009386, MONDO:0015356.

Allele frequency attached by ClinVar (database versions not stated): gnomAD exomes 0.00001.
gnomAD v4.1: 7 of 1,613,982 alleles (0.00043%); highest among the groups gnomAD compares: Non-Finnish European, 0.00059%; no homozygotes.

Submissions (2):

Labcorp Genetics (formerly Invitae), Labcorp
Classification: Uncertain significance. Last evaluated: 2025-10-29. Review status: criteria provided, single submitter. Criteria: Invitae Variant Classification Sherloc (09022015). Collection method: clinical testing. Allele origin: germline.
Comment: This sequence change replaces lysine, which is basic and polar, with asparagine, which is neutral and polar, at codon 51 of the CTNNA1 protein (p.Lys51Asn). This variant is not present in population databases (gnomAD no frequency). This variant has not been reported in the literature in individuals affected with CTNNA1-related conditions. ClinVar contains an entry for this variant (Variation ID: 944879). Invitae Evidence Modeling of protein sequence and biophysical properties (such as structural, functional, and spatial information, amino acid conservation, physicochemical variation, residue mobility, and thermodynamic stability) has been performed for this missense variant. However, the output from this modeling did not meet the statistical confidence thresholds required to predict the impact of this variant on CTNNA1 protein function. In summary, the available evidence is currently insufficient to determine the role of this variant in disease. Therefore, it has been classified as a Variant of Uncertain Significance.

Ambry Genetics
Classification: Uncertain significance for Hereditary cancer-predisposing syndrome. Last evaluated: 2022-07-14. Review status: criteria provided, single submitter. Criteria: Ambry Variant Classification Scheme 2023. Collection method: clinical testing. Allele origin: germline.
Comment: The p.K51N variant (also known as c.153G>T), located in coding exon 2 of the CTNNA1 gene, results from a G to T substitution at nucleotide position 153. The lysine at codon 51 is replaced by asparagine, an amino acid with similar properties. This amino acid position is conserved. In addition, this alteration is predicted to be tolerated by in silico analysis. Since supporting evidence is limited at this time, the clinical significance of this alteration remains unclear.

NM_001903.5(CTNNA1):c.153G>T (p.Lys51Asn)

Gene: CTNNA1 (catenin alpha 1; plus strand). Cytogenetic location: 5q31.2.
Variant type: single nucleotide variant.
Coding change: c.153G>T on transcript NM_001903.5 (MANE Select); coding-DNA position 153, G replaced by T.
Protein change: p.Lys51Asn; replaces lysine 51 with asparagine.
Molecular consequence: missense variant. On other transcripts: 5 prime UTR variant (1), intron variant (1).
Genome position (GRCh38, 1-based): chr5:138,783,224, G>T. VCF-style: chr5-138783224-G-T. GRCh37 (hg19) VCF-style: chr5-138118913-G-T.
Other names: c.153G>T, p.Lys51Asn (NM_001290307.3, NM_001323982.2, NM_001323983.1 and 3 more transcripts); c.-54G>T (NM_001290310.3); c.-9+1195G>T (NM_001290309.3); short protein forms K51N.
Identifiers: ClinVar variation 944879 (VCV000944879.12), dbSNP rs1755328571, ClinGen allele CA361477363.